The following is an entry in ClinVar:

NM_006767.4(LZTR1):c.2518A>C (p.Ile840Leu)

Gene: LZTR1 (leucine zipper like post translational regulator 1; plus strand). Cytogenetic location: 22q11.21.
Variant type: single nucleotide variant.
Coding change: c.2518A>C on transcript NM_006767.4 (MANE Select); coding-DNA position 2518, A replaced by C.
Protein change: p.Ile840Leu; replaces isoleucine 840 with leucine.
Molecular consequence: missense variant.
Genome position (GRCh38, 1-based): chr22:20,997,343, A>C. VCF-style: chr22-20997343-A-C. GRCh37 (hg19) VCF-style: chr22-21351632-A-C.
Other names: short protein forms I840L.
Identifiers: ClinVar variation 4742053 (VCV004742053.1).
Genomic context (GRCh38, chr22:20,997,343, plus strand): 5'-ATCATAGACTCCCTGGCCTCCCACATCTCAGACAAGCAGTGCGCAGAGCTGGGCGCCGAC[A>C]TCTGAGGCCCTGTGGCGCCTGCCCATTGTGAAGAATCGCCGTGCCTGCCTGCCCTGCCTA-3'
Protein context (NP_006758.2, residues 830-840): DKQCAELGAD[Ile840Leu]

ClinVar aggregate classification (germline): Uncertain significance (1 of 4 stars; one submission).

gnomAD v4.1: 1 of 1,610,210 alleles (0.000062%); highest among the groups gnomAD compares: South Asian, 0.0011%; no homozygotes.

Submission:

Labcorp Genetics (formerly Invitae), Labcorp
Classification: Uncertain significance. Last evaluated: 2025-10-09. Review status: criteria provided, single submitter. Criteria: Invitae Variant Classification Sherloc (09022015). Collection method: clinical testing. Allele origin: germline.
Comment: This sequence change replaces isoleucine, which is neutral and non-polar, with leucine, which is neutral and non-polar, at codon 840 of the LZTR1 protein (p.Ile840Leu). This variant is not present in population databases (gnomAD no frequency). This variant has not been reported in the literature in individuals affected with LZTR1-related conditions. Invitae Evidence Modeling of protein sequence and biophysical properties (such as structural, functional, and spatial information, amino acid conservation, physicochemical variation, residue mobility, and thermodynamic stability) indicates that this missense variant is not expected to disrupt LZTR1 protein function with a negative predictive value of 80%. In summary, the available evidence is currently insufficient to determine the role of this variant in disease. Therefore, it has been classified as a Variant of Uncertain Significance.